The following is an entry in ClinVar:

ClinVar aggregate classification (germline): Likely benign (0 of 4 stars; one submission).

Conditions:
FSIP2-related disorder. Also called: FSIP2-related condition.

Allele frequency attached by ClinVar (database versions not stated): 1000 Genomes Project 0.00779; 1000 Genomes Project 30x 0.00812; TOPMed 0.01830; gnomAD 0.01837; ExAC 0.01898; ESP Exome Variant Server 0.02196.
gnomAD v4.1: 37,123 of 1,597,636 alleles (2.3%); highest among the groups gnomAD compares: Non-Finnish European, 2.7%; 532 homozygotes.

Submission:

PreventionGenetics, part of Exact Sciences
Classification: Likely benign for FSIP2-related condition. Last evaluated: 2019-02-22. Review status: no assertion criteria provided. Collection method: clinical testing. Allele origin: germline.
Comment: This variant is classified as likely benign based on ACMG/AMP sequence variant interpretation guidelines (Richards et al. 2015 PMID: 25741868, with internal and published modifications).

NM_173651.4(FSIP2):c.17223T>C (p.Asn5741=)

Gene: FSIP2 (fibrous sheath interacting protein 2; plus strand). Cytogenetic location: 2q32.1.
Variant type: single nucleotide variant.
Coding change: c.17223T>C on transcript NM_173651.4 (MANE Select); coding-DNA position 17223, T replaced by C.
Protein change: p.Asn5741=; no amino-acid change (asparagine 5741 retained).
Molecular consequence: synonymous variant.
Genome position (GRCh38, 1-based): chr2:185,806,529, T>C. VCF-style: chr2-185806529-T-C. GRCh37 (hg19) VCF-style: chr2-186671256-T-C.
Identifiers: ClinVar variation 3038322 (VCV003038322.2), dbSNP rs17826498, ClinGen allele CA2017376.